The following is an entry in ClinVar:

ClinVar aggregate classification (germline): Uncertain significance. Review status: criteria provided, multiple submitters, no conflicts (2 of 4 stars). 2 submissions from 2 submitters: Uncertain significance (2). Last evaluated 2025-02-22.

Conditions:
Inborn genetic diseases. Identifiers: MedGen C0950123, MeSH D030342.
RFT1-congenital disorder of glycosylation (CDG1N). Also called: Congenital disorder of glycosylation type In; CDG In; RFT1-CDG. Identifiers: Orphanet 244310, MedGen C2677590, MONDO:0012783, OMIM 612015.

Allele frequency attached by ClinVar (database versions not stated): gnomAD exomes below 0.00001.
gnomAD v4.1: 1 of 1,614,206 alleles (0.000062%); highest among the groups gnomAD compares: Non-Finnish European, 0.000085%; no homozygotes.

Submissions (2):

Ambry Genetics
Classification: Uncertain significance for Inborn genetic diseases. Last evaluated: 2025-02-22. Review status: criteria provided, single submitter. Criteria: Ambry Variant Classification Scheme 2023. Collection method: clinical testing. Allele origin: germline.

Labcorp Genetics (formerly Invitae), Labcorp
Classification: Uncertain significance for RFT1-congenital disorder of glycosylation. Last evaluated: 2023-10-03. Review status: criteria provided, single submitter. Criteria: Invitae Variant Classification Sherloc (09022015). Collection method: clinical testing. Allele origin: germline.
Comment: This sequence change replaces leucine, which is neutral and non-polar, with valine, which is neutral and non-polar, at codon 355 of the RFT1 protein (p.Leu355Val). This variant is not present in population databases (gnomAD no frequency). This variant has not been reported in the literature in individuals affected with RFT1-related conditions. ClinVar contains an entry for this variant (Variation ID: 2106114). Advanced modeling of protein sequence and biophysical properties (such as structural, functional, and spatial information, amino acid conservation, physicochemical variation, residue mobility, and thermodynamic stability) performed at Invitae indicates that this missense variant is not expected to disrupt RFT1 protein function. In summary, the available evidence is currently insufficient to determine the role of this variant in disease. Therefore, it has been classified as a Variant of Uncertain Significance.

NM_052859.4(RFT1):c.1063C>G (p.Leu355Val)

Gene: RFT1 (RFT1 glycolipid translocator homolog; minus strand). Cytogenetic location: 3p21.1.
Variant type: single nucleotide variant.
Coding change: c.1063C>G on transcript NM_052859.4 (MANE Select); coding-DNA position 1063, C replaced by G.
Protein change: p.Leu355Val; replaces leucine 355 with valine.
Molecular consequence: missense variant.
Genome position (GRCh38, 1-based): chr3:53,103,992, G>C on the plus strand (C>G on the coding strand, the complement: RFT1 is on the minus strand). VCF-style: chr3-53103992-G-C. GRCh37 (hg19) VCF-style: chr3-53138008-G-C.
Other names: c.1063C>G (NM_052859.3); short protein forms L355V.
Identifiers: ClinVar variation 2106114 (VCV002106114.5), dbSNP rs2470962525, ClinGen allele CA353228863.